The following is an entry in ClinVar:

NM_033026.6(PCLO):c.6805A>G (p.Met2269Val)

Gene: PCLO (piccolo presynaptic cytomatrix protein; minus strand). Cytogenetic location: 7q21.11.
Variant type: single nucleotide variant.
Coding change: c.6805A>G on transcript NM_033026.6 (MANE Select); coding-DNA position 6805, A replaced by G.
Protein change: p.Met2269Val; replaces methionine 2269 with valine.
Molecular consequence: missense variant.
Genome position (GRCh38, 1-based): chr7:82,954,148, T>C on the plus strand (A>G on the coding strand, the complement: PCLO is on the minus strand). VCF-style: chr7-82954148-T-C. GRCh37 (hg19) VCF-style: chr7-82583464-T-C.
Other names: c.6805A>G, p.Met2269Val (NM_014510.3); c.6805A>G (NM_033026.5); short protein forms M2269V.
Identifiers: ClinVar variation 1353446 (VCV001353446.13), dbSNP rs201038294, ClinGen allele CA4320407.

ClinVar aggregate classification (germline): Uncertain significance. Review status: criteria provided, multiple submitters, no conflicts (2 of 4 stars). 4 submissions from 4 submitters: Uncertain significance (4). Last evaluated 2025-04-01.

Conditions:
Inborn genetic diseases. Identifiers: MedGen C0950123, MeSH D030342.

Allele frequency attached by ClinVar (database versions not stated): ExAC 0.00012; gnomAD exomes 0.00012; ESP Exome Variant Server 0.00033; gnomAD 0.00048 and 0.00053; TOPMed 0.00058; 1000 Genomes Project 30x 0.00062; 1000 Genomes Project 0.00080.
gnomAD v4.1: 169 of 1,613,884 alleles (0.01%); highest among the groups gnomAD compares: African/African-American, 0.18%; no homozygotes.

Submissions (4):

CeGaT Center for Human Genetics Tuebingen
Classification: Uncertain significance. Last evaluated: 2025-04-01. Review status: criteria provided, single submitter. Criteria: CeGaT Center For Human Genetics Tuebingen Variant Classification Criteria Version 2. Collection method: clinical testing. Allele origin: germline. Affected: yes. Observed: 1 variant allele.
Comment: PCLO: PM2, BP4

Women's Health and Genetics/Laboratory Corporation of America, LabCorp
Classification: Uncertain significance. Last evaluated: 2024-11-26. Review status: criteria provided, single submitter. Criteria: LabCorp Variant Classification Summary - May 2015. Collection method: clinical testing. Allele origin: germline.
Comment: Variant summary: PCLO c.6805A>G (p.Met2269Val) results in a conservative amino acid change in the encoded protein sequence. Five of five in-silico tools predict a benign effect of the variant on protein function. The variant allele was found at a frequency of 0.00012 in 248796 control chromosomes. This frequency is not significantly higher than estimated for a pathogenic variant in PCLO causing Pontocerebellar Hypoplasia Type 3, allowing no conclusion about variant significance. To our knowledge, no occurrence of c.6805A>G in individuals affected with Pontocerebellar Hypoplasia Type 3 and no experimental evidence demonstrating its impact on protein function have been reported. ClinVar contains an entry for this variant (Variation ID: 1353446). Based on the evidence outlined above, the variant was classified as uncertain significance.

Labcorp Genetics (formerly Invitae), Labcorp
Classification: Uncertain significance. Last evaluated: 2022-09-13. Review status: criteria provided, single submitter. Criteria: Invitae Variant Classification Sherloc (09022015). Collection method: clinical testing. Allele origin: germline.
Comment: This sequence change replaces methionine, which is neutral and non-polar, with valine, which is neutral and non-polar, at codon 2269 of the PCLO protein (p.Met2269Val). This variant is present in population databases (rs201038294, gnomAD 0.1%). This variant has not been reported in the literature in individuals affected with PCLO-related conditions. ClinVar contains an entry for this variant (Variation ID: 1353446). Algorithms developed to predict the effect of missense changes on protein structure and function output the following: SIFT: "Tolerated"; PolyPhen-2: "Not Available"; Align-GVGD: "Class C0". The valine amino acid residue is found in multiple mammalian species, which suggests that this missense change does not adversely affect protein function. In summary, the available evidence is currently insufficient to determine the role of this variant in disease. Therefore, it has been classified as a Variant of Uncertain Significance.

Ambry Genetics
Classification: Uncertain significance for Inborn genetic diseases. Last evaluated: 2022-01-03. Review status: criteria provided, single submitter. Criteria: Ambry Variant Classification Scheme 2023. Collection method: clinical testing. Allele origin: germline.